The following is an entry in ClinVar:

NM_000019.4(ACAT1):c.382T>G (p.Ser128Ala)

Gene: ACAT1 (acetyl-CoA acetyltransferase 1; plus strand). Cytogenetic location: 11q22.3.
Variant type: single nucleotide variant.
Coding change: c.382T>G on transcript NM_000019.4 (MANE Select); coding-DNA position 382, T replaced by G.
Protein change: p.Ser128Ala; replaces serine 128 with alanine.
Molecular consequence: missense variant. On other transcripts: non-coding transcript variant (1), intron variant (1).
Genome position (GRCh38, 1-based): chr11:108,135,189, T>G. VCF-style: chr11-108135189-T-G. GRCh37 (hg19) VCF-style: chr11-108005916-T-G.
Other names: c.382T>G, p.Ser128Ala (NM_001386677.1); c.85T>G, p.Ser29Ala (NM_001386679.1); c.112T>G, p.Ser38Ala (NM_001386681.1, NM_001386682.1, NM_001386685.1 and 6 more transcripts); c.120+3235T>G (NM_001386678.1); short protein forms S128A, S29A, S38A.
Identifiers: ClinVar variation 3895927 (VCV003895927.2).

ClinVar aggregate classification (germline): Uncertain significance. Review status: criteria provided, multiple submitters, no conflicts (2 of 4 stars). 2 submissions from 2 submitters: Uncertain significance (2). Last evaluated 2025-09-22.

Conditions:
Deficiency of acetyl-CoA acetyltransferase. Also called: 3-KETOTHIOLASE DEFICIENCY; 3-OXOTHIOLASE DEFICIENCY; MITOCHONDRIAL ACETOACETYL-CoA THIOLASE DEFICIENCY; Beta-ketothiolase deficiency. Identifiers: Orphanet 134, MedGen C1536500, MONDO:0008760, OMIM 203750. Disease mechanism: loss of function.

gnomAD v4.1: 10 of 1,613,824 alleles (0.00062%); highest among the groups gnomAD compares: Non-Finnish European, 0.00085%; no homozygotes.

Submissions (2):

Myriad Genetics, Inc.
Classification: Uncertain significance for Deficiency of acetyl-CoA acetyltransferase. Last evaluated: 2025-09-22. Review status: criteria provided, single submitter. Criteria: Myriad Autosomal Dominant, Autosomal Recessive and X-Linked Classification Criteria (2023). Collection method: clinical testing. Allele origin: unknown.
Comment: NM_000019.3(ACAT1):c.382T>G(S128A) is a missense variant classified as a variant of uncertain significance in the context of beta-ketothiolase deficiency. S128A has not been observed in cases with relevant disease. Relevant functional assessments of this variant are not available in the literature. S128A has not been observed in referenced population frequency databases. In summary, there is insufficient evidence to classify NM_000019.3(ACAT1):c.382T>G(S128A) as pathogenic or benign. Please note: this variant was assessed in the context of healthy population screening.

Women's Health and Genetics/Laboratory Corporation of America, LabCorp
Classification: Uncertain significance. Last evaluated: 2025-03-26. Review status: criteria provided, single submitter. Criteria: LabCorp Variant Classification Summary - May 2015. Collection method: clinical testing. Allele origin: germline.
Comment: Variant summary: ACAT1 c.382T>G (p.Ser128Ala) results in a conservative amino acid change in the encoded protein sequence. Four of five in-silico tools predict a damaging effect of the variant on protein function. The variant was absent in 251390 control chromosomes. The available data on variant occurrences in the general population are insufficient to allow any conclusion about variant significance. To our knowledge, no occurrence of c.382T>G in individuals affected with Alpha-Methylacetoacetic Aciduria and no experimental evidence demonstrating its impact on protein function have been reported. No submitters have cited clinical-significance assessments for this variant to ClinVar. Based on the evidence outlined above, the variant was classified as uncertain significance.